The following is an entry in ClinVar:

ClinVar aggregate classification (germline): Uncertain significance. Review status: criteria provided, multiple submitters, no conflicts (2 of 4 stars). 2 submissions from 2 submitters: Uncertain significance (2). Last evaluated 2025-07-14.

Conditions:
Oligodontia-cancer predisposition syndrome. Also called: TOOTH AGENESIS-COLORECTAL CANCER SYNDROME. Identifiers: Orphanet 300576, MedGen C1837750, MONDO:0012075, OMIM 608615. Disease mechanism: loss of function.
Hereditary cancer-predisposing syndrome. Also called: Hereditary Cancer Syndrome; Tumor predisposition; Neoplastic Syndromes, Hereditary; Hereditary neoplastic syndrome. Identifiers: Orphanet 140162, MedGen C0027672, MeSH D009386, MONDO:0015356.

Submissions (2):

Ambry Genetics
Classification: Uncertain significance for Hereditary cancer-predisposing syndrome. Last evaluated: 2025-07-14. Review status: criteria provided, single submitter. Criteria: Ambry Variant Classification Scheme 2023. Collection method: clinical testing. Allele origin: germline.
Comment: The p.K554E variant (also known as c.1660A>G), located in coding exon 5 of the AXIN2 gene, results from an A to G substitution at nucleotide position 1660. The lysine at codon 554 is replaced by glutamic acid, an amino acid with similar properties. This amino acid position is conserved. In addition, this alteration is predicted to be tolerated by in silico analysis. Based on the available evidence, the clinical significance of this variant remains unclear.

Labcorp Genetics (formerly Invitae), Labcorp
Classification: Uncertain significance for Oligodontia-cancer predisposition syndrome. Last evaluated: 2024-07-09. Review status: criteria provided, single submitter. Criteria: Invitae Variant Classification Sherloc (09022015). Collection method: clinical testing. Allele origin: germline.
Comment: This sequence change replaces lysine, which is basic and polar, with glutamic acid, which is acidic and polar, at codon 554 of the AXIN2 protein (p.Lys554Glu). This variant is not present in population databases (gnomAD no frequency). This variant has not been reported in the literature in individuals affected with AXIN2-related conditions. ClinVar contains an entry for this variant (Variation ID: 862930). Advanced modeling of protein sequence and biophysical properties (such as structural, functional, and spatial information, amino acid conservation, physicochemical variation, residue mobility, and thermodynamic stability) performed at Invitae indicates that this missense variant is not expected to disrupt AXIN2 protein function with a negative predictive value of 80%. In summary, the available evidence is currently insufficient to determine the role of this variant in disease. Therefore, it has been classified as a Variant of Uncertain Significance.

NM_004655.4(AXIN2):c.1660A>G (p.Lys554Glu)

Gene: AXIN2 (axin 2; minus strand). Cytogenetic location: 17q24.1.
Variant type: single nucleotide variant.
Coding change: c.1660A>G on transcript NM_004655.4 (MANE Select); coding-DNA position 1660, A replaced by G.
Protein change: p.Lys554Glu; replaces lysine 554 with glutamic acid.
Molecular consequence: missense variant.
Genome position (GRCh38, 1-based): chr17:65,537,376, T>C on the plus strand (A>G on the coding strand, the complement: AXIN2 is on the minus strand). VCF-style: chr17-65537376-T-C. GRCh37 (hg19) VCF-style: chr17-63533494-T-C.
Other names: c.1660A>G, p.Lys554Glu (NM_001363813.1); short protein forms K554E.
Identifiers: ClinVar variation 862930 (VCV000862930.8), dbSNP rs2043945822, ClinGen allele CA400676958.
Genomic context (GRCh38, chr17:65,537,376, plus strand): 5'-GCACTTACCCAAACTGCTCGCTGGGCATGGTTTCCGGAGCCTTGGAGTGGCTTTTGCATT[T>C]CGAGTAGCAGTAATACTCGCTGCCCCCAGGGCAGAAGCAGTGCACCCGCTGCGTGGCCTC-3'
Protein context (NP_004646.3, residues 544-564): PGGSEYYCYS[Lys554Glu]CKSHSKAPET